The following is an entry in ClinVar:

NM_001353108.3(CEP63):c.1682A>T (p.His561Leu)

Gene: CEP63 (centrosomal protein 63; plus strand). Cytogenetic location: 3q22.2.
Variant type: single nucleotide variant.
Coding change: c.1682A>T on transcript NM_001353108.3 (MANE Select); coding-DNA position 1682, A replaced by T.
Protein change: p.His561Leu; replaces histidine 561 with leucine.
Molecular consequence: missense variant. On other transcripts: non-coding transcript variant (3), intron variant (17).
Genome position (GRCh38, 1-based): chr3:134,559,158, A>T. VCF-style: chr3-134559158-A-T. GRCh37 (hg19) VCF-style: chr3-134278000-A-T.
Other names: c.1544A>T, p.His515Leu (NM_001353109.1); c.1682A>T, p.His561Leu (NM_025180.5); c.1467+7146A>T (NM_001353113.1, NM_001353117.2); c.1329+7146A>T (NM_001042384.2, NM_001353124.2, NM_001353123.2); c.1330-2219A>T (NM_001353122.1, NM_001042383.2, NM_001353121.2 and 2 more transcripts); c.1468-2219A>T (NM_001353110.1, NM_001353112.2, NM_001353111.2 and 1 more transcripts); c.1357-2219A>T (NM_001353118.1); c.967-2219A>T (NM_001353126.2); and 2 more; short protein forms H561L, H515L.
Identifiers: ClinVar variation 1522002 (VCV001522002.6), dbSNP rs141318418, ClinGen allele CA2628762.

ClinVar aggregate classification (germline): Uncertain significance. Review status: criteria provided, multiple submitters, no conflicts (2 of 4 stars). 2 submissions from 2 submitters: Uncertain significance (2). Last evaluated 2022-06-02.

Conditions:
Inborn genetic diseases. Identifiers: MedGen C0950123, MeSH D030342.

Allele frequency attached by ClinVar (database versions not stated): ExAC 0.00002; gnomAD exomes 0.00003; ESP Exome Variant Server 0.00008; gnomAD 0.00010 and 0.00011; TOPMed 0.00012; 1000 Genomes Project 30x 0.00016; 1000 Genomes Project 0.00020.
gnomAD v4.1: 28 of 1,614,006 alleles (0.0017%); highest among the groups gnomAD compares: African/African-American, 0.033%; no homozygotes.

Submissions (2):

Labcorp Genetics (formerly Invitae), Labcorp
Classification: Uncertain significance. Last evaluated: 2022-06-02. Review status: criteria provided, single submitter. Criteria: Invitae Variant Classification Sherloc (09022015). Collection method: clinical testing. Allele origin: germline.
Comment: This sequence change replaces histidine, which is basic and polar, with leucine, which is neutral and non-polar, at codon 561 of the CEP63 protein (p.His561Leu). This variant is present in population databases (rs141318418, gnomAD 0.03%). This variant has not been reported in the literature in individuals affected with CEP63-related conditions. ClinVar contains an entry for this variant (Variation ID: 1522002). Algorithms developed to predict the effect of missense changes on protein structure and function (SIFT, PolyPhen-2, Align-GVGD) all suggest that this variant is likely to be tolerated. In summary, the available evidence is currently insufficient to determine the role of this variant in disease. Therefore, it has been classified as a Variant of Uncertain Significance.

Ambry Genetics
Classification: Uncertain significance for Inborn genetic diseases. Last evaluated: 2022-02-03. Review status: criteria provided, single submitter. Criteria: Ambry Variant Classification Scheme 2023. Collection method: clinical testing. Allele origin: germline.